The following is an entry in ClinVar:

NM_001267550.2(TTN):c.104794A>G (p.Ser34932Gly)

Genes: TTN (titin; minus strand), TTN-AS1 (TTN antisense RNA 1; plus strand). Cytogenetic location: 2q31.2.
Variant type: single nucleotide variant.
Coding change: c.104794A>G on transcript NM_001267550.2 (MANE Select); coding-DNA position 104794, A replaced by G.
Protein change: p.Ser34932Gly; replaces serine 34932 with glycine.
Molecular consequence: missense variant.
Genome position (GRCh38, 1-based): chr2:178,531,821, T>C on the plus strand (A>G on the coding strand, the complement: TTN is on the minus strand). VCF-style: chr2-178531821-T-C. GRCh37 (hg19) VCF-style: chr2-179396548-T-C.
Other names: c.99871A>G, p.Ser33291Gly (NM_001256850.1); c.77599A>G, p.Ser25867Gly (NM_003319.4); c.97090A>G, p.Ser32364Gly (NM_133378.4); c.77974A>G, p.Ser25992Gly (NM_133432.3); c.78175A>G, p.Ser26059Gly (NM_133437.4); short protein forms S33291G, S25867G, S32364G, S25992G, S26059G, S34932G.
Identifiers: ClinVar variation 2006583 (VCV002006583.3), dbSNP rs772604058, ClinGen allele CA1985358.

ClinVar aggregate classification (germline): Uncertain significance (1 of 4 stars; one submission).

Conditions:
Dilated cardiomyopathy 1G (CMD1G). Identifiers: Orphanet 154, MedGen C1858763, MONDO:0011400, OMIM 604145.
Autosomal recessive limb-girdle muscular dystrophy type 2J (LGMDR10). Also called: MUSCULAR DYSTROPHY, LIMB-GIRDLE, AUTOSOMAL RECESSIVE 10; Limb-girdle muscular dystrophy, type 2J. Identifiers: Orphanet 140922, MedGen C1837342, MONDO:0012127, OMIM 608807.

Allele frequency attached by ClinVar (database versions not stated): ExAC 0.00001; gnomAD 0.00001; TOPMed 0.00001.
gnomAD v4.1: 1 of 1,613,892 alleles (0.000062%); highest among the groups gnomAD compares: African/African-American, 0.0013%; no homozygotes.

Submission:

Labcorp Genetics (formerly Invitae), Labcorp
Classification: Uncertain significance for Dilated cardiomyopathy 1G; Autosomal recessive limb-girdle muscular dystrophy type 2J. Last evaluated: 2022-06-14. Review status: criteria provided, single submitter. Criteria: Invitae Variant Classification Sherloc (09022015). Collection method: clinical testing. Allele origin: germline.
Comment: This variant is present in population databases (rs772604058, gnomAD 0.007%). This sequence change replaces serine, which is neutral and polar, with glycine, which is neutral and non-polar, at codon 34932 of the TTN protein (p.Ser34932Gly). This variant has not been reported in the literature in individuals affected with TTN-related conditions. This variant is located in the M band of TTN (PMID: 25589632). Variants in this region may be relevant for neuromuscular disorders, but have not been definitively shown to cause cardiomyopathy (PMID: 23975875). In summary, the available evidence is currently insufficient to determine the role of this variant in disease. Therefore, it has been classified as a Variant of Uncertain Significance. Experimental studies and prediction algorithms are not available or were not evaluated, and the functional significance of this variant is currently unknown.

Literature cited by the submitters: PubMed 25589632; PubMed 23975875.